The following is an entry in ClinVar:

ClinVar aggregate classification (germline): Uncertain significance (1 of 4 stars; one submission).

gnomAD v4.1: 1 of 1,613,936 alleles (0.000062%); highest among the groups gnomAD compares: South Asian, 0.0011%; no homozygotes.

Submission:

GeneDx
Classification: Uncertain significance. Last evaluated: 2017-05-16. Review status: criteria provided, single submitter. Criteria: GeneDx Variant Classification (06012015). Collection method: clinical testing. Allele origin: germline. Affected: yes.
Comment: The Y2015S variant in the SACS gene has not been reported previously as a pathogenic variant, nor as a benign variant, to our knowledge. The Y2015S variant is not observed in large population cohorts (Lek et al., 2016; 1000 Genomes Consortium et al., 2015; Exome Variant Server). The Y2015S variant is a semi-conservative amino acid substitution, which may impact secondary protein structure as these residues differ in some properties. This substitution occurs at a position that is conserved across species. In silico analysis is inconsistent in its predictions as to whether or not the variant is damaging to the protein structure/function. We interpret Y2015S as a variant of uncertain significance.

NM_014363.6(SACS):c.6044A>C (p.Tyr2015Ser)

Gene: SACS (sacsin molecular chaperone; minus strand). Cytogenetic location: 13q12.12.
Variant type: single nucleotide variant.
Coding change: c.6044A>C on transcript NM_014363.6 (MANE Select); coding-DNA position 6044, A replaced by C.
Protein change: p.Tyr2015Ser; replaces tyrosine 2015 with serine.
Molecular consequence: missense variant.
Genome position (GRCh38, 1-based): chr13:23,337,832, T>G on the plus strand (A>C on the coding strand, the complement: SACS is on the minus strand). VCF-style: chr13-23337832-T-G. GRCh37 (hg19) VCF-style: chr13-23911971-T-G.
Other names: c.5603A>C, p.Tyr1868Ser (NM_001278055.2); short protein forms Y2015S, Y1868S.
Identifiers: ClinVar variation 429908 (VCV000429908.2), dbSNP rs1131691664, ClinGen allele CA387524021.